The following is an entry in ClinVar:

NM_001379500.1(COL18A1):c.752C>T (p.Ser251Phe)

Gene: COL18A1 (collagen type XVIII alpha 1 chain; plus strand). Cytogenetic location: 21q22.3.
Variant type: single nucleotide variant.
Coding change: c.752C>T on transcript NM_001379500.1 (MANE Select); coding-DNA position 752, C replaced by T.
Protein change: p.Ser251Phe; replaces serine 251 with phenylalanine.
Molecular consequence: missense variant.
Genome position (GRCh38, 1-based): chr21:45,475,489, C>T. VCF-style: chr21-45475489-C-T. GRCh37 (hg19) VCF-style: chr21-46895403-C-T.
Other names: NM_130445.2:c.752C>T; c.1292C>T, p.Ser431Phe (NM_030582.4); c.1997C>T, p.Ser666Phe (NM_130444.3); short protein forms S251F, S666F, S431F.
Identifiers: ClinVar variation 1445795 (VCV001445795.4), dbSNP rs559392439, ClinGen allele CA10065877.

ClinVar aggregate classification (germline): Conflicting classifications of pathogenicity. Review status: criteria provided, conflicting classifications (1 of 4 stars). 2 submissions from 2 submitters: Uncertain significance (1); Likely benign (1). Last evaluated 2024-01-04.

Conditions:
Inborn genetic diseases. Identifiers: MedGen C0950123, MeSH D030342.

Allele frequency attached by ClinVar (database versions not stated): gnomAD exomes below 0.00001; gnomAD 0.00001; ExAC 0.00002.
gnomAD v4.1: 11 of 1,605,226 alleles (0.00069%); highest among the groups gnomAD compares: Non-Finnish European, 0.00085%; no homozygotes.

Submissions (2):

Ambry Genetics
Classification: Likely benign for Inborn genetic diseases. Last evaluated: 2024-01-04. Review status: criteria provided, single submitter. Criteria: Ambry Variant Classification Scheme 2023. Collection method: clinical testing. Allele origin: germline.

Labcorp Genetics (formerly Invitae), Labcorp
Classification: Uncertain significance. Last evaluated: 2021-09-17. Review status: criteria provided, single submitter. Criteria: Invitae Variant Classification Sherloc (09022015). Collection method: clinical testing. Allele origin: germline.
Comment: This sequence change replaces serine with phenylalanine at codon 251 of the COL18A1 protein (p.Ser251Phe). There is a large physicochemical difference between serine and phenylalanine. This variant is present in population databases (rs559392439, ExAC 0.003%). This variant has not been reported in the literature in individuals affected with COL18A1-related conditions. Experimental studies and prediction algorithms are not available or were not evaluated, and the functional significance of this variant is currently unknown. In summary, the available evidence is currently insufficient to determine the role of this variant in disease. Therefore, it has been classified as a Variant of Uncertain Significance.